The following is an entry in ClinVar:

ClinVar aggregate classification (germline): Uncertain significance (1 of 4 stars; one submission).

Conditions:
Developmental and epileptic encephalopathy, 36 (DEE36). Also called: ALG13-CDG; Congenital disorder of glycosylation, type Is; Epileptic encephalopathy, early infantile, 36. Identifiers: Orphanet 324422, MedGen C4317295, MONDO:0010472, OMIM 300884.

Submission:

Labcorp Genetics (formerly Invitae), Labcorp
Classification: Uncertain significance for Developmental and epileptic encephalopathy, 36. Last evaluated: 2023-03-02. Review status: criteria provided, single submitter. Criteria: Invitae Variant Classification Sherloc (09022015). Collection method: clinical testing. Allele origin: germline.
Comment: In summary, the available evidence is currently insufficient to determine the role of this variant in disease. Therefore, it has been classified as a Variant of Uncertain Significance. Algorithms developed to predict the effect of sequence changes on RNA splicing suggest that this variant is not likely to affect RNA splicing. This variant has not been reported in the literature in individuals affected with ALG13-related conditions. This variant is not present in population databases (gnomAD no frequency). This sequence change affects codon 251 of the ALG13 mRNA. It is a 'silent' change, meaning that it does not change the encoded amino acid sequence of the ALG13 protein. It affects a nucleotide within the consensus splice site.

NM_001099922.3(ALG13):c.751T>C (p.Leu251=)

Gene: ALG13 (ALG13 UDP-N-acetylglucosaminyltransferase subunit; plus strand). Cytogenetic location: Xq23.
Variant type: single nucleotide variant.
Coding change: c.751T>C on transcript NM_001099922.3 (MANE Select); coding-DNA position 751, T replaced by C.
Protein change: p.Leu251=; no amino-acid change (leucine 251 retained).
Molecular consequence: synonymous variant. On other transcripts: non-coding transcript variant (1).
Genome position (GRCh38, 1-based): chrX:111,708,965, T>C. VCF-style: chrX-111708965-T-C. GRCh37 (hg19) VCF-style: chrX-110952193-T-C.
Other names: c.439T>C, p.Leu147= (NM_001257230.2, NM_001257234.2, NM_001257237.2 and 1 more transcripts); c.517T>C, p.Leu173= (NM_001257231.2); c.751T>C, p.Leu251= (NM_001324292.2).
Identifiers: ClinVar variation 2962032 (VCV002962032.3), dbSNP rs780004678, ClinGen allele CA10493580.
Genomic context (GRCh38, chrX:111,708,965, plus strand): 5'-TTTAGAAGTGCCTATTTTAAATGACTACTGACAGTGGGCTGGTCTTTCTCTTCTTTTTAG[T>C]TGTTTTGCAGCCAGGTCCATCATTTGGAAATCAGGAAGGCTTGTGTCTCATATATGAGGG-3'
Protein context (NP_001093392.1, residues 241-261): SCLFRAISEQ[Leu251=]FCSQVHHLEI